The following is an entry in ClinVar:

ClinVar aggregate classification (germline): Uncertain significance (1 of 4 stars; one submission).

Allele frequency attached by ClinVar (database versions not stated): TOPMed below 0.00001; gnomAD 0.00001.
gnomAD v4.1: 2 of 1,551,368 alleles (0.00013%); highest among the groups gnomAD compares: African/African-American, 0.0027%; no homozygotes.

Submission:

Labcorp Genetics (formerly Invitae), Labcorp
Classification: Uncertain significance. Last evaluated: 2024-03-04. Review status: criteria provided, single submitter. Criteria: Invitae Variant Classification Sherloc (09022015). Collection method: clinical testing. Allele origin: germline.
Comment: This sequence change replaces isoleucine, which is neutral and non-polar, with threonine, which is neutral and polar, at codon 2111 of the UNC80 protein (p.Ile2111Thr). This variant is present in population databases (no rsID available, gnomAD 0.01%). This variant has not been reported in the literature in individuals affected with UNC80-related conditions. ClinVar contains an entry for this variant (Variation ID: 2015632). Advanced modeling of protein sequence and biophysical properties (such as structural, functional, and spatial information, amino acid conservation, physicochemical variation, residue mobility, and thermodynamic stability) performed at Invitae indicates that this missense variant is not expected to disrupt UNC80 protein function with a negative predictive value of 80%. In summary, the available evidence is currently insufficient to determine the role of this variant in disease. Therefore, it has been classified as a Variant of Uncertain Significance.

NM_001371986.1(UNC80):c.6530T>C (p.Ile2177Thr)

Gene: UNC80 (unc-80 subunit of NALCN channel complex; plus strand). Cytogenetic location: 2q34.
Variant type: single nucleotide variant.
Coding change: c.6530T>C on transcript NM_001371986.1 (MANE Select); coding-DNA position 6530, T replaced by C.
Protein change: p.Ile2177Thr; replaces isoleucine 2177 with threonine.
Molecular consequence: missense variant.
Genome position (GRCh38, 1-based): chr2:209,939,536, T>C. VCF-style: chr2-209939536-T-C. GRCh37 (hg19) VCF-style: chr2-210804260-T-C.
Other names: c.6332T>C, p.Ile2111Thr (NM_032504.2); c.6317T>C, p.Ile2106Thr (NM_182587.4); short protein forms I2106T, I2111T, I2177T.
Identifiers: ClinVar variation 2015632 (VCV002015632.4), dbSNP rs1367730079, ClinGen allele CA350771968.
Genomic context (GRCh38, chr2:209,939,536, plus strand): 5'-TCACCCGAAAGCTGGAAGAAGTAGGGCGGGTGTTGTTTCTCATCTCCCTAACCCAGAAGA[T>C]CCCCACAGCCCACAAACAGTCCCACGTCTCCATGCTTCAGGAAGACCTCCTCCGCCTGCC-3'
Protein context (NP_001358915.1, residues 2167-2187): VLFLISLTQK[Ile2177Thr]PTAHKQSHVS